The following is an entry in ClinVar:

NC_000001.11:g.(?_161314400)_(161362439_?)del

Gene: SDHC (succinate dehydrogenase complex subunit C; plus strand). Cytogenetic location: 1q23.3.
Variant type: Deletion.
Identifiers: ClinVar variation 534384 (VCV000534384.1).

ClinVar aggregate classification (germline): Pathogenic (1 of 4 stars; one submission).

Conditions:
Pheochromocytoma/paraganglioma syndrome 3. Also called: GLOMUS TUMORS, FAMILIAL, 3; SDHC-Related Hereditary Paraganglioma-Pheochromocytoma Syndrome; Paragangliomas 3; SDHC-Related Hereditary Paraganglioma-Pheochromocytoma Syndrome (Paragangliomas 3). Identifiers: Orphanet 29072, MedGen C1854336, MONDO:0011544, OMIM 605373.
Gastrointestinal stromal tumor. Also called: Gastrointestinal stromal tumor, somatic; Gastrointestinal stroma tumor. Identifiers: Orphanet 44890, MedGen C0238198, MeSH D046152, MONDO:0011719, OMIM 606764, HP:0100723.

Submission:

Labcorp Genetics (formerly Invitae), Labcorp
Classification: Pathogenic for Pheochromocytoma/paraganglioma syndrome 3; Gastrointestinal stromal tumor. Last evaluated: 2017-12-04. Review status: criteria provided, single submitter. Criteria: Invitae Variant Classification Sherloc (09022015). Collection method: clinical testing. Allele origin: germline.
Comment: A gross deletion of the genomic region encompassing the full coding sequence of the SDHC gene has been identified. The boundaries of this event are unknown as the deletion extends beyond the assayed region for this gene and therefore may encompass additional genes. A deletion of the entire SDHC gene has been reported in an individual affected with metastatic abdominal paraganglioma (PMID: 26162468). Loss-of-function variants in SDHC are known to be pathogenic (PMID: 19454582, 24758179). For these reasons, this variant has been classified as Pathogenic.

Literature cited by the submitters: PubMed 26162468.